The following is an entry in ClinVar:

NM_001330078.2(NRXN1):c.638G>C (p.Gly213Ala)

Gene: NRXN1 (neurexin 1; minus strand). Cytogenetic location: 2p16.3.
Variant type: single nucleotide variant.
Coding change: c.638G>C on transcript NM_001330078.2 (MANE Select); coding-DNA position 638, G replaced by C.
Protein change: p.Gly213Ala; replaces glycine 213 with alanine.
Molecular consequence: missense variant.
Genome position (GRCh38, 1-based): chr2:51,027,636, C>G on the plus strand (G>C on the coding strand, the complement: NRXN1 is on the minus strand). VCF-style: chr2-51027636-C-G. GRCh37 (hg19) VCF-style: chr2-51254774-C-G.
Other names: c.638G>C, p.Gly213Ala (NM_001135659.3, NM_001330077.2, NM_001330079.2 and 15 more transcripts); short protein forms G213A.
Identifiers: ClinVar variation 2128221 (VCV002128221.4), dbSNP rs1439195215, ClinGen allele CA346823600.

ClinVar aggregate classification (germline): Uncertain significance (1 of 4 stars; one submission).

Conditions:
Pitt-Hopkins-like syndrome 2 (PTHSL2). Identifiers: Orphanet 221150, Orphanet 600663, MedGen C3280479, MONDO:0013690, OMIM 614325.

Submission:

Labcorp Genetics (formerly Invitae), Labcorp
Classification: Uncertain significance for Pitt-Hopkins-like syndrome 2. Last evaluated: 2022-07-01. Review status: criteria provided, single submitter. Criteria: Invitae Variant Classification Sherloc (09022015). Collection method: clinical testing. Allele origin: germline.
Comment: This variant has not been reported in the literature in individuals affected with NRXN1-related conditions. Algorithms developed to predict the effect of missense changes on protein structure and function (SIFT, PolyPhen-2, Align-GVGD) all suggest that this variant is likely to be tolerated. This variant is not present in population databases (gnomAD no frequency). This sequence change replaces glycine, which is neutral and non-polar, with alanine, which is neutral and non-polar, at codon 213 of the NRXN1 protein (p.Gly213Ala). In summary, the available evidence is currently insufficient to determine the role of this variant in disease. Therefore, it has been classified as a Variant of Uncertain Significance.